The following is an entry in ClinVar:

ClinVar aggregate classification (germline): Pathogenic. Review status: reviewed by expert panel (3 of 4 stars). 4 submissions from 4 submitters: Pathogenic (1). 3 of the submissions do not count toward it. Last evaluated 2016-10-18.

Conditions:
Hereditary cancer-predisposing syndrome. Also called: Hereditary Cancer Syndrome; Neoplastic Syndromes, Hereditary; Hereditary neoplastic syndrome; Tumor predisposition. Identifiers: Orphanet 140162, MedGen C0027672, MeSH D009386, MONDO:0015356.
Hereditary breast ovarian cancer syndrome. Also called: Hereditary breast and ovarian cancer syndrome (HBOC); Breast and ovarian cancer; Hereditary breast and ovarian cancer syndrome; Hereditary breast and ovarian cancer; BRCA1- and BRCA2-Associated Hereditary Breast and Ovarian Cancer; Hereditary breast and/or ovarian cancer syndrome. Identifiers: Orphanet 145, MedGen C0677776, MeSH D061325, MONDO:0003582. Disease mechanism: loss of function.
Breast-ovarian cancer, familial, susceptibility to, 1 (BROVCA1). Also called: BRCA1 Hereditary Breast and Ovarian Cancer; OVARIAN CANCER, SUSCEPTIBILITY TO. Identifiers: Orphanet 145, MedGen C2676676, MONDO:0011450, OMIM 604370. Disease mechanism: loss of function.

gnomAD v4.1: 2 of 1,614,162 alleles (0.00012%); highest among the groups gnomAD compares: East Asian, 0.0022%; no homozygotes.

Submissions (4):

Evidence-based Network for the Interpretation of Germline Mutant Alleles (ENIGMA)
Classification: Pathogenic for Breast-ovarian cancer, familial, susceptibility to, 1. Last evaluated: 2016-10-18. Review status: reviewed by expert panel. Criteria: ENIGMA BRCA1/2 Classification Criteria (2015). Collection method: curation. Allele origin: germline.
Comment: Variant allele predicted to encode a truncated non-functional protein.

Labcorp Genetics (formerly Invitae), Labcorp
Classification: Pathogenic for Hereditary breast ovarian cancer syndrome. Last evaluated: 2024-12-28. Review status: criteria provided, single submitter. Criteria: Invitae Variant Classification Sherloc (09022015). Collection method: clinical testing. Allele origin: germline. Not counted in ClinVar's aggregate classification.
Comment: This sequence change creates a premature translational stop signal (p.Glu391*) in the BRCA1 gene. It is expected to result in an absent or disrupted protein product. Loss-of-function variants in BRCA1 are known to be pathogenic (PMID: 20104584). This variant is not present in population databases (gnomAD no frequency). This premature translational stop signal has been observed in individual(s) with hereditary breast and ovarian cancer (PMID: 29446198, 30078507). ClinVar contains an entry for this variant (Variation ID: 266140). For these reasons, this variant has been classified as Pathogenic.

Ambry Genetics
Classification: Pathogenic for Hereditary cancer-predisposing syndrome. Last evaluated: 2021-05-03. Review status: criteria provided, single submitter. Criteria: Ambry Variant Classification Scheme 2023. Collection method: clinical testing. Allele origin: germline. Not counted in ClinVar's aggregate classification.
Comment: The p.E391* pathogenic mutation (also known as c.1171G>T), located in coding exon 9 of the BRCA1 gene, results from a G to T substitution at nucleotide position 1171. This changes the amino acid from a glutamic acid to a stop codon within coding exon 9. This alteration was identified in a large, worldwide study of BRCA1/2 mutation positive families (Rebbeck TR et al. Hum Mutat, 2018 05;39:593-620). In addition, this alteration was reported in a cohort of Chinese ovarian cancer patients (Li A et al. Gynecol Oncol, 2018 10;151:145-152).This alteration is expected to result in loss of function by premature protein truncation or nonsense-mediated mRNA decay. As such, this alteration is interpreted as a disease-causing mutation.

Consortium of Investigators of Modifiers of BRCA1/2 (CIMBA), c/o University of Cambridge
Classification: Pathogenic for Breast-ovarian cancer, familial, susceptibility to, 1. Last evaluated: 2015-10-02. Review status: criteria provided, single submitter. Criteria: CIMBA Mutation Classification guidelines May 2016. Collection method: clinical testing. Allele origin: germline. Not counted in ClinVar's aggregate classification.

Literature cited by the submitters: PubMed 20104584 (cited by Labcorp Genetics (formerly Invitae), Labcorp); PubMed 29446198 (cited by Labcorp Genetics (formerly Invitae), Labcorp and Ambry Genetics); PubMed 30078507 (cited by Labcorp Genetics (formerly Invitae), Labcorp and Ambry Genetics).

NM_007294.4(BRCA1):c.1171G>T (p.Glu391Ter)

Gene: BRCA1 (BRCA1 DNA repair associated; minus strand). Cytogenetic location: 17q21.31.
Variant type: single nucleotide variant.
Coding change: c.1171G>T on transcript NM_007294.4 (MANE Select); coding-DNA position 1171, G replaced by T.
Protein change: p.Glu391Ter; replaces glutamic acid 391 with a stop codon.
Molecular consequence: nonsense. On other transcripts: intron variant (137).
Genome position (GRCh38, 1-based): chr17:43,094,360, C>A on the plus strand (G>T on the coding strand, the complement: BRCA1 is on the minus strand). VCF-style: chr17-43094360-C-A. GRCh37 (hg19) VCF-style: chr17-41246377-C-A.
Other names: 1290G>T; c.667+1486G>T (NM_001408431.1, NM_001408424.1, NM_001408421.1); c.784+384G>T (NM_001408407.1, NM_001408402.1, NM_001408473.1 and 13 more transcripts); c.664+384G>T (NM_001408443.1, NM_001408439.1, NM_001408425.1 and 12 more transcripts); c.670+1486G>T (NM_001408419.1, NM_001408422.1, NM_001408418.1 and 2 more transcripts); c.787+384G>T (NM_001408403.1, NM_001407983.1, NM_001407975.1 and 19 more transcripts); c.790+381G>T (NM_001408406.1); c.646+384G>T (NM_001408456.1, NM_001408410.1, NM_001408458.1 and 11 more transcripts); and 41 more; short protein forms E391*, E344*, E223*, E280*, E323*, E364*, E390*, E264*.
Identifiers: ClinVar variation 266140 (VCV000266140.14), dbSNP rs562553169, ClinGen allele CA10589964.
Genomic context (GRCh38, chr17:43,094,360, plus strand): 5'-CAGCTACTTTGGCATTTGATTCAGACTCCCCATCATGTGAGTCATCAGAACCTAACAGTT[C>A]ATCACTTCTGGAAAACCACTCATTAACTTTCTGAATGCTGCTATTTAGTGTTATCCAAGG-3'